The following is an entry in ClinVar:

NM_000548.5(TSC2):c.4569+2_4569+5del

Gene: TSC2 (TSC complex subunit 2; plus strand). Cytogenetic location: 16p13.3.
Variant type: Deletion.
Coding change: c.4569+2_4569+5del on transcript NM_000548.5 (MANE Select); the canonical splice donor site of the intron after coding-DNA position 4569 through 5 bases into the intron after coding-DNA position 4569, 4 bases deleted (TAGG; older notation c.4569+2_4569+5delTAGG).
Molecular consequence: splice donor variant.
Genome position (GRCh38, 1-based): chr16:2,085,028-2,085,031, TAGG deleted; deleting any 4 consecutive bases within chr16:2,085,025-2,085,031 gives the same sequence; the c. name uses the placement nearest the transcript's 3' end. VCF-style (leftmost placement, unchanged base first): chr16-2085024-GAGGT-G. GRCh37 (hg19) VCF-style: chr16-2135025-GAGGT-G.
Other names: c.4500+2_4500+5del (NM_001114382.3); c.4440+2_4440+5del (NM_021055.3, NM_001370405.1); c.4371+2_4371+5del (NM_001363528.2); c.4437+2_4437+5del (NM_001370404.1); c.4368+2_4368+5del (NM_001077183.3); c.4260+2_4260+5del (NM_001318827.2); c.3837+2_3837+5del (NM_001318831.2); c.4224+2_4224+5del (NM_001318829.2); and 1 more.
Identifiers: ClinVar variation 1492864 (VCV001492864.6), dbSNP rs2151545272, ClinGen allele CA2573151921.

ClinVar aggregate classification (germline): Pathogenic (1 of 4 stars; one submission).

Conditions:
Tuberous sclerosis 2 (TSC2). Identifiers: Orphanet 805, MedGen C1860707, MONDO:0013199, OMIM 613254.

Submission:

Labcorp Genetics (formerly Invitae), Labcorp
Classification: Pathogenic for Tuberous sclerosis 2. Last evaluated: 2023-10-27. Review status: criteria provided, single submitter. Criteria: Invitae Variant Classification Sherloc (09022015). Collection method: clinical testing. Allele origin: germline.
Comment: This sequence change affects a splice site in intron 35 of the TSC2 gene. It is expected to disrupt RNA splicing. Variants that disrupt the donor or acceptor splice site typically lead to a loss of protein function (PMID: 16199547), and loss-of-function variants in TSC2 are known to be pathogenic (PMID: 10205261, 17304050). This variant is not present in population databases (gnomAD no frequency). Disruption of this splice site has been observed in individual(s) with clinical features of tuberous sclerosis complex (Invitae). In at least one individual the variant was observed to be de novo. ClinVar contains an entry for this variant (Variation ID: 1492864). Algorithms developed to predict the effect of sequence changes on RNA splicing suggest that this variant may disrupt the consensus splice site. For these reasons, this variant has been classified as Pathogenic.

Literature cited by the submitters: PubMed 16199547; PubMed 10205261; PubMed 17304050.